The following is an entry in ClinVar:

ClinVar aggregate classification (germline): Uncertain significance. Review status: criteria provided, multiple submitters, no conflicts (2 of 4 stars). 3 submissions from 3 submitters: Uncertain significance (3). Last evaluated 2023-04-25.

Conditions:
Autosomal recessive limb-girdle muscular dystrophy type 2W (MDRCMTT). Also called: Muscular dystrophy, autosomal recessive, with cardiomyopathy and triangular tongue; Muscular dystrophy, limb-girdle, type 2W. Identifiers: MedGen C4225192, MONDO:0014788, OMIM 616827.

Allele frequency attached by ClinVar (database versions not stated): ExAC 0.00005; gnomAD 0.00008.
gnomAD v4.1: 171 of 1,613,762 alleles (0.011%); highest among the groups gnomAD compares: Non-Finnish European, 0.013%; no homozygotes.

Submissions (3):

Revvity Omics, Revvity
Classification: Uncertain significance for Autosomal recessive limb-girdle muscular dystrophy type 2W. Last evaluated: 2023-04-25. Review status: criteria provided, single submitter. Criteria: ACMG Guidelines, 2015. Collection method: clinical testing. Allele origin: germline.

Ambry Genetics
Classification: Uncertain significance. Last evaluated: 2022-12-19. Review status: criteria provided, single submitter. Criteria: Ambry Variant Classification Scheme 2023. Collection method: clinical testing. Allele origin: germline.

Labcorp Genetics (formerly Invitae), Labcorp
Classification: Uncertain significance for Autosomal recessive limb-girdle muscular dystrophy type 2W. Last evaluated: 2022-11-10. Review status: criteria provided, single submitter. Criteria: Invitae Variant Classification Sherloc (09022015). Collection method: clinical testing. Allele origin: germline.
Comment: In summary, the available evidence is currently insufficient to determine the role of this variant in disease. Therefore, it has been classified as a Variant of Uncertain Significance. Algorithms developed to predict the effect of missense changes on protein structure and function are either unavailable or do not agree on the potential impact of this missense change (SIFT: "Tolerated"; PolyPhen-2: "Probably Damaging"; Align-GVGD: "Class C0"). This variant has not been reported in the literature in individuals affected with LIMS2-related conditions. This variant is present in population databases (rs200231493, gnomAD 0.008%). This sequence change replaces arginine, which is basic and polar, with glutamine, which is neutral and polar, at codon 70 of the LIMS2 protein (p.Arg70Gln).

NM_001161403.3(LIMS2):c.143G>A (p.Arg48Gln)

Gene: LIMS2 (LIM zinc finger domain containing 2; minus strand). Cytogenetic location: 2q14.3.
Variant type: single nucleotide variant.
Coding change: c.143G>A on transcript NM_001161403.3 (MANE Select); coding-DNA position 143, G replaced by A.
Protein change: p.Arg48Gln; replaces arginine 48 with glutamine.
Molecular consequence: missense variant.
Genome position (GRCh38, 1-based): chr2:127,657,431, C>T on the plus strand (G>A on the coding strand, the complement: LIMS2 is on the minus strand). VCF-style: chr2-127657431-C-T. GRCh37 (hg19) VCF-style: chr2-128415005-C-T.
Other names: c.209G>A, p.Arg70Gln (NM_001136037.4); c.128G>A, p.Arg43Gln (NM_001161404.2); c.215G>A, p.Arg72Gln (NM_017980.5); c.209G>A (NM_001136037.3); short protein forms R43Q, R48Q, R70Q, R72Q.
Identifiers: ClinVar variation 2208879 (VCV002208879.8), dbSNP rs200231493, ClinGen allele CA1863558.